The following is an entry in ClinVar:

NM_030962.4(SBF2):c.2206G>A (p.Val736Met)

Genes: SBF2 (SET binding factor 2; minus strand), LOC101928008 (uncharacterized LOC101928008; plus strand). Cytogenetic location: 11p15.4.
Variant type: single nucleotide variant.
Coding change: c.2206G>A on transcript NM_030962.4 (MANE Select); coding-DNA position 2206, G replaced by A.
Protein change: p.Val736Met; replaces valine 736 with methionine.
Molecular consequence: missense variant.
Genome position (GRCh38, 1-based): chr11:9,856,615, C>T on the plus strand (G>A on the coding strand, the complement: SBF2 is on the minus strand). VCF-style: chr11-9856615-C-T. GRCh37 (hg19) VCF-style: chr11-9878162-C-T.
Other names: c.2206G>A, p.Val736Met (NM_001386339.1); c.2077G>A, p.Val693Met (NM_001386342.1); short protein forms V693M, V736M.
Identifiers: ClinVar variation 2054354 (VCV002054354.2), dbSNP rs1396400643, ClinGen allele CA379639032.

ClinVar aggregate classification (germline): Uncertain significance (1 of 4 stars; one submission).

Conditions:
Charcot-Marie-Tooth disease type 4. Also called: Charcot-Marie-Tooth disease, type IV; Charcot-Marie-Tooth, Type 4. Identifiers: Orphanet 64749, MedGen C4082197, MONDO:0018995.

Allele frequency attached by ClinVar (database versions not stated): TOPMed below 0.00001.
gnomAD v4.1: 2 of 1,614,150 alleles (0.00012%); highest among the groups gnomAD compares: Non-Finnish European, 0.00017%; no homozygotes.

Submission:

Labcorp Genetics (formerly Invitae), Labcorp
Classification: Uncertain significance for Charcot-Marie-Tooth disease type 4. Last evaluated: 2022-03-22. Review status: criteria provided, single submitter. Criteria: Invitae Variant Classification Sherloc (09022015). Collection method: clinical testing. Allele origin: germline.
Comment: This variant is not present in population databases (gnomAD no frequency). This sequence change replaces valine, which is neutral and non-polar, with methionine, which is neutral and non-polar, at codon 736 of the SBF2 protein (p.Val736Met). This variant has not been reported in the literature in individuals affected with SBF2-related conditions. In summary, the available evidence is currently insufficient to determine the role of this variant in disease. Therefore, it has been classified as a Variant of Uncertain Significance. Algorithms developed to predict the effect of missense changes on protein structure and function are either unavailable or do not agree on the potential impact of this missense change (SIFT: "Deleterious"; PolyPhen-2: "Possibly Damaging"; Align-GVGD: "Class C0").